The following is an entry in ClinVar:

ClinVar aggregate classification (germline): Likely benign. Review status: criteria provided, multiple submitters, no conflicts (2 of 4 stars). 4 submissions from 4 submitters: Likely benign (3). 1 of the submissions does not count toward it. Last evaluated 2025-04-08.

Conditions:
CLCN1-related disorder. Also called: CLCN1-related condition.
Congenital myotonia, autosomal recessive form. Also called: myotonia congenita, autosomal recessive; BECKER DISEASE; Becker Generalized Myotonia. Identifiers: Orphanet 614, MedGen C0751360, MONDO:0009715, OMIM 255700.
Congenital myotonia, autosomal dominant form (THD). Also called: Myotonia congenita autosomal dominant; THOMSEN DISEASE. Identifiers: Orphanet 614, MedGen C2936781, MONDO:0008055, OMIM 160800.
Batten-Turner congenital myopathy. Also called: Congenital myotonia; Myotonia congenita. Identifiers: Orphanet 206973, MedGen C0027127, MONDO:0100468, OMIM 255300.

Allele frequency attached by ClinVar (database versions not stated): gnomAD 0.00001 and 0.00002; ExAC 0.00002; gnomAD exomes 0.00004 and 0.00005; TOPMed 0.00004; ESP Exome Variant Server 0.00008.
gnomAD v4.1: 80 of 1,613,992 alleles (0.005%); highest among the groups gnomAD compares: Non-Finnish European, 0.0057%; no homozygotes.

Submissions (4):

Labcorp Genetics (formerly Invitae), Labcorp
Classification: Likely benign for Congenital myotonia, autosomal recessive form; Congenital myotonia, autosomal dominant form. Last evaluated: 2025-04-08. Review status: criteria provided, single submitter. Criteria: Invitae Variant Classification Sherloc (09022015). Collection method: clinical testing. Allele origin: germline.

Illumina Laboratory Services, Illumina
Classification: Likely benign for Myotonia congenita. Last evaluated: 2018-01-13. Review status: criteria provided, single submitter. Criteria: ICSL Variant Classification Criteria 13 December 2019. Collection method: clinical testing. Allele origin: germline.
Comment: This variant was observed in the ICSL laboratory as part of a predisposition screen in an ostensibly healthy population. It had not been previously curated by ICSL or reported in the Human Gene Mutation Database (HGMD: prior to June 1st, 2018), and was therefore a candidate for classification through an automated scoring system. Utilizing variant allele frequency, disease prevalence and penetrance estimates, and inheritance mode, an automated score was calculated to assess if this variant is too frequent to cause the disease. Based on the score and internal cut-off values, a variant classified as likely benign is not then subjected to further curation. The score for this variant resulted in a classification of likely benign for this disease.

GeneDx
Classification: Likely benign. Last evaluated: 2017-11-21. Review status: criteria provided, single submitter. Criteria: GeneDx Variant Classification (06012015). Collection method: clinical testing. Allele origin: germline. Affected: yes.
Comment: This variant is considered likely benign or benign based on one or more of the following criteria: it is a conservative change, it occurs at a poorly conserved position in the protein, it is predicted to be benign by multiple in silico algorithms, and/or has population frequency not consistent with disease.

PreventionGenetics, part of Exact Sciences
Classification: Uncertain significance for CLCN1-related condition. Last evaluated: 2024-03-11. Review status: no assertion criteria provided. Collection method: clinical testing. Allele origin: germline. Not counted in ClinVar's aggregate classification.
Comment: The CLCN1 c.1863A>G variant is not predicted to result in an amino acid change (p.=). This silent variant is predicted to create a new splicing site based on available splicing prediction programs (Alamut Visual Plus v1.6.1). However, the use of computer prediction programs is not equivalent to functional evidence. To our knowledge, this variant has not been reported in the literature. This variant is reported in 0.0065% of alleles in individuals of South Asian descent in gnomAD. At this time, the clinical significance of this variant is uncertain due to the absence of conclusive functional and genetic evidence.

NM_000083.3(CLCN1):c.1863A>G (p.Thr621=)

Gene: CLCN1 (chloride voltage-gated channel 1; plus strand). Cytogenetic location: 7q34.
Variant type: single nucleotide variant.
Coding change: c.1863A>G on transcript NM_000083.3 (MANE Select); coding-DNA position 1863, A replaced by G.
Protein change: p.Thr621=; no amino-acid change (threonine 621 retained).
Molecular consequence: synonymous variant. On other transcripts: non-coding transcript variant (1).
Genome position (GRCh38, 1-based): chr7:143,342,438, A>G. VCF-style: chr7-143342438-A-G. GRCh37 (hg19) VCF-style: chr7-143039531-A-G.
Identifiers: ClinVar variation 513358 (VCV000513358.18), dbSNP rs369099862, ClinGen allele CA4537500.